The following is an entry in ClinVar:

ClinVar aggregate classification (germline): Uncertain significance (1 of 4 stars; one submission).

Conditions:
Dilated Cardiomyopathy, Recessive.

gnomAD v4.1: 9 of 1,612,878 alleles (0.00056%); highest among the groups gnomAD compares: African/African-American, 0.0093%; no homozygotes.

Submission:

Labcorp Genetics (formerly Invitae), Labcorp
Classification: Uncertain significance. Last evaluated: 2021-03-09. Review status: criteria provided, single submitter. Criteria: Invitae Variant Classification Sherloc (09022015). Collection method: clinical testing. Allele origin: germline.
Comment: In summary, the available evidence is currently insufficient to determine the role of this variant in disease. Therefore, it has been classified as a Variant of Uncertain Significance. Algorithms developed to predict the effect of missense changes on protein structure and function output the following: SIFT: "Tolerated"; PolyPhen-2: "Benign"; Align-GVGD: "Class C0". The asparagine amino acid residue is found in multiple mammalian species, suggesting that this missense change does not adversely affect protein function. These predictions have not been confirmed by published functional studies and their clinical significance is uncertain. This sequence change replaces histidine with asparagine at codon 979 of the PLEKHM2 protein (p.His979Asn). The histidine residue is highly conserved and there is a small physicochemical difference between histidine and asparagine. This variant is not present in population databases (ExAC no frequency). This variant has not been reported in the literature in individuals with PLEKHM2-related conditions.

NM_015164.4(PLEKHM2):c.2935C>A (p.His979Asn)

Gene: PLEKHM2 (pleckstrin homology and RUN domain containing M2; plus strand). Cytogenetic location: 1p36.21.
Variant type: single nucleotide variant.
Coding change: c.2935C>A on transcript NM_015164.4 (MANE Select); coding-DNA position 2935, C replaced by A.
Protein change: p.His979Asn; replaces histidine 979 with asparagine.
Molecular consequence: missense variant.
Genome position (GRCh38, 1-based): chr1:15,733,809, C>A. VCF-style: chr1-15733809-C-A. GRCh37 (hg19) VCF-style: chr1-16060304-C-A.
Other names: short protein forms H979N.
Identifiers: ClinVar variation 1513390 (VCV001513390.7), dbSNP rs756795422, ClinGen allele CA338576371.